The following is an entry in ClinVar:

NM_004937.3(CTNS):c.668del (p.Cys223fs)

Genes: CTNS (cystinosin, lysosomal cystine transporter; plus strand), CTNS-AS1 (CTNS antisense RNA 1; minus strand). Cytogenetic location: 17p13.2.
Variant type: Deletion.
Coding change: c.668del on transcript NM_004937.3 (MANE Select); coding-DNA position 668, one base deleted (G; older notation c.668delG).
Protein change: p.Cys223fs; shifts the reading frame from cysteine 223.
Molecular consequence: frameshift variant.
Genome position (GRCh38, 1-based): chr17:3,656,782, G deleted. VCF-style (leftmost placement, unchanged base first): chr17-3656781-TG-T. GRCh37 (hg19) VCF-style: chr17-3560075-TG-T.
Other names: c.668del, p.Cys223fs (NM_001031681.3, NM_001374492.1); c.227del, p.Cys76fs (NM_001374493.1, NM_001374494.1, NM_001374495.1 and 1 more transcripts); short protein forms C223fs, C76fs.
Identifiers: ClinVar variation 1451995 (VCV001451995.8), dbSNP rs770145986, ClinGen allele CA8291812.

ClinVar aggregate classification (germline): Pathogenic (1 of 4 stars; one submission).

Conditions:
Inborn genetic diseases. Identifiers: MedGen C0950123, MeSH D030342.
Juvenile nephropathic cystinosis. Also called: Intermediate Cystinosis; CYSTINOSIS, LATE-ONSET JUVENILE OR ADOLESCENT NEPHROPATHIC TYPE; Later-Onset (Juvenile) Cystinosis. Identifiers: Orphanet 213, Orphanet 411634, MedGen C0268626, MONDO:0009066, OMIM 219900.
Ocular cystinosis. Also called: Non-Nephropathic Cystinosis; Non-Nephropathic (Ocular) Cystinosis. Identifiers: Orphanet 213, Orphanet 411641, MedGen C2931013, MONDO:0009064, OMIM 219750.

Allele frequency attached by ClinVar (database versions not stated): gnomAD exomes below 0.00001 and 0.00001; TOPMed below 0.00001; ExAC 0.00001; gnomAD 0.00001.

Submission:

Labcorp Genetics (formerly Invitae), Labcorp
Classification: Pathogenic for Inborn genetic diseases; Ocular cystinosis; Juvenile nephropathic cystinosis. Last evaluated: 2021-09-06. Review status: criteria provided, single submitter. Criteria: Invitae Variant Classification Sherloc (09022015). Collection method: clinical testing. Allele origin: germline.
Comment: This sequence change creates a premature translational stop signal (p.Cys223Serfs*30) in the CTNS gene. It is expected to result in an absent or disrupted protein product. Loss-of-function variants in CTNS are known to be pathogenic (PMID: 9537412, 27102039). This variant is present in population databases (rs770145986, ExAC 0.002%). This variant has not been reported in the literature in individuals affected with CTNS-related conditions. For these reasons, this variant has been classified as Pathogenic.

Literature cited by the submitters: PubMed 9537412; PubMed 27102039.